The following is an entry in ClinVar:

NM_001375567.1(FOCAD):c.3052G>A (p.Gly1018Arg)

Gene: FOCAD (focadhesin; plus strand). Cytogenetic location: 9p21.3.
Variant type: single nucleotide variant.
Coding change: c.3052G>A on transcript NM_001375567.1 (MANE Select); coding-DNA position 3052, G replaced by A.
Protein change: p.Gly1018Arg; replaces glycine 1018 with arginine.
Molecular consequence: missense variant.
Genome position (GRCh38, 1-based): chr9:20,926,391, G>A. VCF-style: chr9-20926391-G-A. GRCh37 (hg19) VCF-style: chr9-20926390-G-A.
Other names: c.2947G>A, p.Gly983Arg (NM_001375568.1, NM_001375570.1); c.3052G>A, p.Gly1018Arg (NM_017794.5); short protein forms G1018R, G983R.
Identifiers: ClinVar variation 2328626 (VCV002328626.4), dbSNP rs746952911, ClinGen allele CA5007396.

ClinVar aggregate classification (germline): Uncertain significance. Review status: criteria provided, multiple submitters, no conflicts (2 of 4 stars). 2 submissions from 2 submitters: Uncertain significance (2). Last evaluated 2024-04-08.

Conditions:
Inborn genetic diseases. Identifiers: MedGen C0950123, MeSH D030342.

Allele frequency attached by ClinVar (database versions not stated): gnomAD 0.00001; ExAC 0.00002; TOPMed 0.00003; gnomAD exomes 0.00005.
gnomAD v4.1: 80 of 1,609,924 alleles (0.005%); highest among the groups gnomAD compares: Non-Finnish European, 0.0061%; no homozygotes.

Submissions (2):

Labcorp Genetics (formerly Invitae), Labcorp
Classification: Uncertain significance. Last evaluated: 2024-04-08. Review status: criteria provided, single submitter. Criteria: Invitae Variant Classification Sherloc (09022015). Collection method: clinical testing. Allele origin: germline.
Comment: This sequence change replaces glycine, which is neutral and non-polar, with arginine, which is basic and polar, at codon 1018 of the FOCAD protein (p.Gly1018Arg). This variant is present in population databases (rs746952911, gnomAD 0.004%). This variant has not been reported in the literature in individuals affected with FOCAD-related conditions. ClinVar contains an entry for this variant (Variation ID: 2328626). Experimental studies and prediction algorithms are not available or were not evaluated, and the functional significance of this variant is currently unknown. In summary, the available evidence is currently insufficient to determine the role of this variant in disease. Therefore, it has been classified as a Variant of Uncertain Significance.

Ambry Genetics
Classification: Uncertain significance for Inborn genetic diseases. Last evaluated: 2022-11-21. Review status: criteria provided, single submitter. Criteria: Ambry Variant Classification Scheme 2023. Collection method: clinical testing. Allele origin: germline.